The following is an entry in ClinVar:

NM_001244008.2(KIF1A):c.760C>G (p.Arg254Gly)

Gene: KIF1A (kinesin family member 1A; minus strand). Cytogenetic location: 2q37.3.
Variant type: single nucleotide variant.
Coding change: c.760C>G on transcript NM_001244008.2 (MANE Select); coding-DNA position 760, C replaced by G.
Protein change: p.Arg254Gly; replaces arginine 254 with glycine.
Molecular consequence: missense variant.
Genome position (GRCh38, 1-based): chr2:240,783,777, G>C on the plus strand (C>G on the coding strand, the complement: KIF1A is on the minus strand). VCF-style: chr2-240783777-G-C. GRCh37 (hg19) VCF-style: chr2-241723194-G-C.
Other names: c.760C>G, p.Arg254Gly (NM_001320705.2, NM_001330289.2, NM_001330290.2 and 20 more transcripts); short protein forms R254G.
Identifiers: ClinVar variation 1477424 (VCV001477424.8), dbSNP rs879253888, ClinGen allele CA351303126.

ClinVar aggregate classification (germline): Likely pathogenic (1 of 4 stars; one submission).

Conditions:
Hereditary spastic paraplegia 30. Identifiers: Orphanet 101010, MedGen C5235139, MONDO:0012476.
Neuropathy, hereditary sensory, type 2C. Also called: KIF1A-Related HSAN2 (HSAN2C); Hereditary sensory and autonomic neuropathy type IIC. Identifiers: Orphanet 970, MedGen C3280168, MONDO:0013634, OMIM 614213.
Intellectual disability, autosomal dominant 9 (NESCAVS). Also called: KIF1A-Related Neurodevelopmental Disorder; NESCAV SYNDROME. Identifiers: Orphanet 662367, MedGen C5393830, MONDO:0013656, OMIM 614255.

Submission:

Labcorp Genetics (formerly Invitae), Labcorp
Classification: Likely pathogenic for Hereditary spastic paraplegia 30; Neuropathy, hereditary sensory, type 2C; Intellectual disability, autosomal dominant 9. Last evaluated: 2024-08-11. Review status: criteria provided, single submitter. Criteria: Invitae Variant Classification Sherloc (09022015). Collection method: clinical testing. Allele origin: germline.
Comment: This sequence change replaces arginine, which is basic and polar, with glycine, which is neutral and non-polar, at codon 254 of the KIF1A protein (p.Arg254Gly). This variant is not present in population databases (gnomAD no frequency). This missense change has been observed in individual(s) with clinical features of hereditary spastic paraplegia (Invitae). ClinVar contains an entry for this variant (Variation ID: 1477424). Advanced modeling of protein sequence and biophysical properties (such as structural, functional, and spatial information, amino acid conservation, physicochemical variation, residue mobility, and thermodynamic stability) performed at Invitae indicates that this missense variant is expected to disrupt KIF1A protein function with a positive predictive value of 95%. This variant disrupts the p.Arg254 amino acid residue in KIF1A. Other variant(s) that disrupt this residue have been determined to be pathogenic (PMID: 26354034). This suggests that this residue is clinically significant, and that variants that disrupt this residue are likely to be disease-causing. In summary, the currently available evidence indicates that the variant is pathogenic, but additional data are needed to prove that conclusively. Therefore, this variant has been classified as Likely Pathogenic.

Literature cited by the submitters: PubMed 26354034.